The following is an entry in ClinVar:

ClinVar aggregate classification (germline): Uncertain significance. Review status: criteria provided, multiple submitters, no conflicts (2 of 4 stars). 5 submissions from 4 submitters: Uncertain significance (5). Last evaluated 2024-09-30.

Conditions:
Cardiovascular phenotype. Identifiers: MedGen CN230736.
Noonan syndrome (NS). Also called: Noonan's syndrome. Identifiers: Orphanet 648, MedGen C0028326, MeSH D009634, MONDO:0018997. Disease mechanism: gain of function.
Noonan syndrome 7 (NS7). Also called: BRAF-Related Noonan Syndrome. Identifiers: Orphanet 648, MedGen C3150970, MONDO:0013379, OMIM 613706.
LEOPARD syndrome 3 (LPRD3). Identifiers: Orphanet 500, MedGen C3150971, MONDO:0013380, OMIM 613707.

Allele frequency attached by ClinVar (database versions not stated): gnomAD exomes below 0.00001 and 0.00001; TOPMed below 0.00001.
gnomAD v4.1: 10 of 1,614,062 alleles (0.00062%); highest among the groups gnomAD compares: Non-Finnish European, 0.00085%; no homozygotes.

Submissions (5):

Ambry Genetics
Classification: Uncertain significance for Cardiovascular phenotype. Last evaluated: 2024-09-30. Review status: criteria provided, single submitter. Criteria: Ambry Variant Classification Scheme 2023. Collection method: clinical testing. Allele origin: germline.
Comment: The p.D352E variant (also known as c.1056T>A), located in coding exon 8 of the BRAF gene, results from a T to A substitution at nucleotide position 1056. The aspartic acid at codon 352 is replaced by glutamic acid, an amino acid with highly similar properties. This amino acid position is conserved. In addition, the in silico prediction for this alteration is inconclusive. Based on the available evidence, the clinical significance of this variant remains unclear.

Molecular Genetics, Royal Melbourne Hospital
Classification: Uncertain significance for Noonan syndrome. Last evaluated: 2023-06-06. Review status: criteria provided, single submitter. Criteria: ACMG Guidelines, 2015. Collection method: clinical testing. Allele origin: germline. Inheritance: Autosomal dominant inheritance.
Comment: This sequence change in BRAF is predicted to replace aspartic acid with glutamic acid at codon 352, p.(Asp352Glu). The aspartic acid residue is highly conserved (97 vertebrates, UCSC), and is not located in an annotated domain. There is a small physicochemical difference between aspartic acid and glutamic acid. BRAF, in which the variant was identified, is a gene that has a low rate of benign missense variation and where pathogenic missense variants are a common mechanism of disease (PMID: 29493581). This variant is present in a single individual from the European (non-Finnish) population in the population database gnomAD v2.1 (1/113,738 alleles). To our knowledge, this variant has not been previously reported in the relevant scientific literature. It has been identified in an ostensibly healthy individual in ClinVar (ID: 910577). Computational evidence is uninformative for the missense substitution (REVEL = 0.407). Based on the classification scheme RMH Modified ACMG/AMP Guidelines v1.6.1, this variant is classified as a VARIANT OF UNCERTAIN SIGNIFICANCE. Following criteria are met: PP2.

Blueprint Genetics
Classification: Uncertain significance. Last evaluated: 2022-09-08. Review status: criteria provided, single submitter. Criteria: ACMG Guidelines, 2015. Collection method: clinical testing. Allele origin: germline.

Illumina Laboratory Services, Illumina
Classification: Uncertain significance for LEOPARD syndrome 3. Last evaluated: 2018-01-13. Review status: criteria provided, single submitter. Criteria: ICSL Variant Classification Criteria 13 December 2019. Collection method: clinical testing. Allele origin: germline.

Illumina Laboratory Services, Illumina
Classification: Uncertain significance for Noonan syndrome 7. Last evaluated: 2018-01-13. Review status: criteria provided, single submitter. Criteria: ICSL Variant Classification Criteria 13 December 2019. Collection method: clinical testing. Allele origin: germline.

Literature cited by the submitters: PubMed 29493581 (cited by Molecular Genetics, Royal Melbourne Hospital).

NM_004333.6(BRAF):c.1056T>A (p.Asp352Glu)

Genes: BRAF (B-Raf proto-oncogene, serine/threonine kinase; minus strand), LOC126860202 (BRD4-independent group 4 enhancer GRCh37_chr7:140493623-140494822; plus strand). Cytogenetic location: 7q34.
Variant type: single nucleotide variant.
Coding change: c.1056T>A on transcript NM_004333.6 (MANE Select); coding-DNA position 1056, T replaced by A.
Protein change: p.Asp352Glu; replaces aspartic acid 352 with glutamic acid.
Molecular consequence: missense variant.
Genome position (GRCh38, 1-based): chr7:140,794,392, A>T on the plus strand (T>A on the coding strand, the complement: BRAF is on the minus strand). VCF-style: chr7-140794392-A-T. GRCh37 (hg19) VCF-style: chr7-140494192-A-T.
Other names: c.1056T>A, p.Asp352Glu (NM_001354609.2, NM_001374244.1, NM_001374258.1 and 4 more transcripts); c.1065T>A, p.Asp355Glu (NM_001378467.1); c.954T>A, p.Asp318Glu (NM_001378470.1); c.900T>A, p.Asp300Glu (NM_001378472.1, NM_001378473.1); c.792T>A, p.Asp264Glu (NM_001378475.1); short protein forms D318E, D352E, D355E, D264E, D300E.
Identifiers: ClinVar variation 910577 (VCV000910577.7), dbSNP rs1398817791, ClinGen allele CA369589859.